The following is an entry in ClinVar:

ClinVar aggregate classification (germline): Benign/Likely benign. Review status: criteria provided, multiple submitters, no conflicts (2 of 4 stars). 3 submissions from 3 submitters: Benign (1); Likely benign (2). Last evaluated 2026-01-23.

Conditions:
Leigh syndrome (NULS). Also called: Subacute necrotizing encephalopathy; Necrotizing encephalopathy infantile subacute of Leigh; Leigh Disease; LEIGH SYNDROME, NUCLEAR; Leigh's syndrome; Leigh Syndrome (mtDNA deletion). Identifiers: Orphanet 506, MedGen C2931891, MONDO:0009723, OMIM 256000.

Allele frequency attached by ClinVar (database versions not stated): gnomAD 0.00009 and 0.00011; TOPMed 0.00011; ESP Exome Variant Server 0.00015.
gnomAD v4.1: 141 of 1,613,620 alleles (0.0087%); highest among the groups gnomAD compares: South Asian, 0.071%; no homozygotes.

Submissions (3):

Labcorp Genetics (formerly Invitae), Labcorp
Classification: Likely benign for Leigh syndrome. Last evaluated: 2026-01-23. Review status: criteria provided, single submitter. Criteria: Invitae Variant Classification Sherloc (09022015). Collection method: clinical testing. Allele origin: germline.

Blueprint Genetics
Classification: Likely benign. Last evaluated: 2024-01-03. Review status: criteria provided, single submitter. Criteria: ACMG Guidelines, 2015. Collection method: clinical testing. Allele origin: germline.

GeneDx
Classification: Benign. Last evaluated: 2015-09-18. Review status: criteria provided, single submitter. Criteria: GeneDx Variant Classification (06012015). Collection method: clinical testing. Allele origin: germline. Affected: yes.
Comment: This variant is considered likely benign or benign based on one or more of the following criteria: it is a conservative change, it occurs at a poorly conserved position in the protein, it is predicted to be benign by multiple in silico algorithms, and/or has population frequency not consistent with disease.

NM_003172.4(SURF1):c.240+9C>T

Gene: SURF1 (SURF1 cytochrome c oxidase assembly factor; minus strand). Cytogenetic location: 9q34.2.
Variant type: single nucleotide variant.
Coding change: c.240+9C>T on transcript NM_003172.4 (MANE Select); 9 bases into the intron after coding-DNA position 240, C replaced by T.
Molecular consequence: intron variant.
Genome position (GRCh38, 1-based): chr9:133,354,815, G>A on the plus strand (C>T on the coding strand, the complement: SURF1 is on the minus strand). VCF-style: chr9-133354815-G-A. GRCh37 (hg19) VCF-style: chr9-136221670-G-A.
Other names: c.-88+9C>T (NM_001280787.1).
Identifiers: ClinVar variation 378695 (VCV000378695.9), dbSNP rs376459836, ClinGen allele CA16605565.